The following is an entry in ClinVar:

NC_000023.10:g.(?_32486605)_(32519969_?)del

Gene: DMD (dystrophin; minus strand). Cytogenetic location: Xp21.1.
Variant type: Deletion.
Identifiers: ClinVar variation 1459130 (VCV001459130.5).

ClinVar aggregate classification (germline): Pathogenic (1 of 4 stars; one submission).

Conditions:
Duchenne muscular dystrophy (DMD). Also called: Duchenne Muscular Dystrophy (DMD); MUSCULAR DYSTROPHY, PSEUDOHYPERTROPHIC PROGRESSIVE, DUCHENNE TYPE. Identifiers: Orphanet 98896, MedGen C0013264, MONDO:0010679, OMIM 310200.

Submission:

Labcorp Genetics (formerly Invitae), Labcorp
Classification: Pathogenic for Duchenne muscular dystrophy. Last evaluated: 2021-07-21. Review status: criteria provided, single submitter. Criteria: Invitae Variant Classification Sherloc (09022015). Collection method: clinical testing. Allele origin: germline.
Comment: The region of the DMD gene that includes exon(s) 21-23 has been determined to be clinically significant (PMID: 31139960, 31705731). Therefore, deletions that encompass that region are likely to be disease-causing. For these reasons, this variant has been classified as Pathogenic. Experimental studies and prediction algorithms are not available or were not evaluated, and the functional significance of this variant is currently unknown. This variant has not been reported in the literature in individuals affected with DMD-related conditions. This variant is a gross deletion of the genomic region encompassing exon(s) 19-23 of the DMD gene. This variant would be expected to be in-frame, preserving the integrity of the reading frame.

Literature cited by the submitters: PubMed 31139960; PubMed 31705731.